The following is an entry in ClinVar:

ClinVar aggregate classification (germline): Uncertain significance (1 of 4 stars; one submission).

Conditions:
Episodic ataxia type 2 (EA2). Also called: EPISODIC ATAXIA, NYSTAGMUS-ASSOCIATED; ATAXIA, EPISODIC, WITH NYSTAGMUS; ATAXIA, FAMILIAL PAROXYSMAL; CEREBELLAR ATAXIA, PAROXYSMAL, ACETAZOLAMIDE-RESPONSIVE; CEREBELLOPATHY, HEREDITARY PAROXYSMAL; ACETAZOLAMIDE-RESPONSIVE HEREDITARY PAROXYSMAL CEREBELLAR ATAXIA. Identifiers: Orphanet 97, MedGen C1720416, MONDO:0007163, OMIM 108500.
Developmental and epileptic encephalopathy, 42 (DEE42A). Also called: Epileptic encephalopathy, early infantile, 42; DEVELOPMENTAL AND EPILEPTIC ENCEPHALOPATHY 42A; EPILEPTIC ENCEPHALOPATHY, EARLY INFANTILE, 42A. Identifiers: MedGen C4310716, MONDO:0014917, OMIM 617106.

gnomAD v4.1: 2 of 1,607,426 alleles (0.00012%); highest among the groups gnomAD compares: East Asian, 0.0045%; no homozygotes.

Submission:

Labcorp Genetics (formerly Invitae), Labcorp
Classification: Uncertain significance for Developmental and epileptic encephalopathy, 42; Episodic ataxia type 2. Last evaluated: 2018-05-03. Review status: criteria provided, single submitter. Criteria: Invitae Variant Classification Sherloc (09022015). Collection method: clinical testing. Allele origin: germline.
Comment: In summary, the available evidence is currently insufficient to determine the role of this variant in disease. Therefore, it has been classified as a Variant of Uncertain Significance. Algorithms developed to predict the effect of missense changes on protein structure and function do not agree on the potential impact of this missense change (SIFT: "Tolerated"; PolyPhen-2: "Possibly Damaging"; Align-GVGD: "Class C0"). This variant has not been reported in the literature in individuals with CACNA1A-related disease. This variant is not present in population databases (ExAC no frequency). This sequence change replaces alanine with serine at codon 793 of the CACNA1A protein (p.Ala793Ser). The alanine residue is highly conserved and there is a moderate physicochemical difference between alanine and serine.

NM_001127222.2(CACNA1A):c.2374G>T (p.Ala792Ser)

Gene: CACNA1A (calcium voltage-gated channel subunit alpha1 A; minus strand). Cytogenetic location: 19p13.13.
Variant type: single nucleotide variant.
Coding change: c.2374G>T on transcript NM_001127222.2 (MANE Select); coding-DNA position 2374, G replaced by T.
Protein change: p.Ala792Ser; replaces alanine 792 with serine.
Molecular consequence: missense variant.
Genome position (GRCh38, 1-based): chr19:13,299,259, C>A on the plus strand (G>T on the coding strand, the complement: CACNA1A is on the minus strand). VCF-style: chr19-13299259-C-A. GRCh37 (hg19) VCF-style: chr19-13410073-C-A.
Other names: c.2386G>T, p.Ala796Ser (NM_000068.4, NM_023035.3); c.2377G>T, p.Ala793Ser (NM_001127221.2, NM_001174080.2); short protein forms A793S, A792S, A796S.
Identifiers: ClinVar variation 542833 (VCV000542833.9), dbSNP rs753248182, ClinGen allele CA404343590.